The following is an entry in ClinVar:

ClinVar aggregate classification (germline): Likely benign (1 of 4 stars; one submission).

Submission:

CeGaT Center for Human Genetics Tuebingen
Classification: Likely benign. Last evaluated: 2023-09-01. Review status: criteria provided, single submitter. Criteria: CeGaT Center For Human Genetics Tuebingen Variant Classification Criteria Version 2. Collection method: clinical testing. Allele origin: germline. Affected: yes. Observed: 1 variant allele.
Comment: WRN: PM2:Supporting, BP4, BP7

NM_000553.6(WRN):c.3438G>C (p.Ser1146=)

Gene: WRN (WRN RecQ like helicase; plus strand). Cytogenetic location: 8p12.
Variant type: single nucleotide variant.
Coding change: c.3438G>C on transcript NM_000553.6 (MANE Select); coding-DNA position 3438, G replaced by C.
Protein change: p.Ser1146=; no amino-acid change (serine 1146 retained).
Molecular consequence: synonymous variant.
Genome position (GRCh38, 1-based): chr8:31,147,107, G>C. VCF-style: chr8-31147107-G-C. GRCh37 (hg19) VCF-style: chr8-31004623-G-C.
Identifiers: ClinVar variation 2658527 (VCV002658527.24), dbSNP rs750737389, ClinGen allele CA460223967.